The following is an entry in ClinVar:

ClinVar aggregate classification (germline): Uncertain significance (1 of 4 stars; one submission).

Conditions:
Lowe syndrome (OCRL). Also called: LOWE OCULOCEREBRORENAL SYNDROME; PHOSPHATIDYLINOSITOL 4,5-BISPHOSPHATE 5-PHOSPHATASE DEFICIENCY; Oculocerebrorenal Syndrome. Identifiers: Orphanet 534, MedGen C0028860, MONDO:0010645, OMIM 309000.

Allele frequency attached by ClinVar (database versions not stated): gnomAD exomes below 0.00001; TOPMed below 0.00001; gnomAD 0.00002.
gnomAD v4.1: 6 of 1,211,003 alleles (0.0005%); highest among the groups gnomAD compares: Non-Finnish European, 0.00067%; no homozygotes.

Submission:

Labcorp Genetics (formerly Invitae), Labcorp
Classification: Uncertain significance for Lowe syndrome. Last evaluated: 2023-12-01. Review status: criteria provided, single submitter. Criteria: Invitae Variant Classification Sherloc (09022015). Collection method: clinical testing. Allele origin: germline.
Comment: This sequence change replaces serine, which is neutral and polar, with leucine, which is neutral and non-polar, at codon 183 of the OCRL protein (p.Ser183Leu). This variant is present in population databases (no rsID available, gnomAD 0.001%). This variant has not been reported in the literature in individuals affected with OCRL-related conditions. Advanced modeling of protein sequence and biophysical properties (such as structural, functional, and spatial information, amino acid conservation, physicochemical variation, residue mobility, and thermodynamic stability) performed at Invitae indicates that this missense variant is not expected to disrupt OCRL protein function with a negative predictive value of 95%. In summary, the available evidence is currently insufficient to determine the role of this variant in disease. Therefore, it has been classified as a Variant of Uncertain Significance.

NM_000276.4(OCRL):c.548C>T (p.Ser183Leu)

Gene: OCRL (OCRL inositol polyphosphate-5-phosphatase; plus strand). Cytogenetic location: Xq26.1.
Variant type: single nucleotide variant.
Coding change: c.548C>T on transcript NM_000276.4 (MANE Select); coding-DNA position 548, C replaced by T.
Protein change: p.Ser183Leu; replaces serine 183 with leucine.
Molecular consequence: missense variant.
Genome position (GRCh38, 1-based): chrX:129,558,741, C>T. VCF-style: chrX-129558741-C-T. GRCh37 (hg19) VCF-style: chrX-128692718-C-T.
Other names: c.551C>T, p.Ser184Leu (NM_001318784.2); c.548C>T, p.Ser183Leu (NM_001587.4); short protein forms S183L, S184L.
Identifiers: ClinVar variation 2976498 (VCV002976498.3), dbSNP rs1466082048, ClinGen allele CA414551500.
Genomic context (GRCh38, chrX:129,558,741, plus strand): 5'-AAATAAATTCACAAAATCAGCCTACTGGGATTCATCGGGAACCCCCACCTCCACCCTTTT[C>T]AGTGAATAAAATGTAAGTCCCATGTGAAAACATATTTGCCTTGTAGGAGAATTATAGTTT-3'
Protein context (NP_000267.2, residues 173-193): IHREPPPPPF[Ser183Leu]VNKMLPREKE